The following is an entry in ClinVar:

ClinVar aggregate classification (germline): Uncertain significance (1 of 4 stars; one submission).

Conditions:
Severe combined immunodeficiency due to IKK2 deficiency. Also called: Immunodeficiency 15; IMMUNODEFICIENCY 15B. Identifiers: Orphanet 397787, MedGen C4747743, MONDO:0014267, OMIM 615592.

Submission:

Labcorp Genetics (formerly Invitae), Labcorp
Classification: Uncertain significance for Severe combined immunodeficiency due to IKK2 deficiency. Last evaluated: 2021-08-24. Review status: criteria provided, single submitter. Criteria: Invitae Variant Classification Sherloc (09022015). Collection method: clinical testing. Allele origin: germline.
Comment: This sequence change replaces valine with leucine at codon 605 of the IKBKB protein (p.Val605Leu). The valine residue is highly conserved and there is a small physicochemical difference between valine and leucine. This variant is not present in population databases (ExAC no frequency). This variant has not been reported in the literature in individuals affected with IKBKB-related conditions. Algorithms developed to predict the effect of missense changes on protein structure and function are either unavailable or do not agree on the potential impact of this missense change (SIFT: "Deleterious"; PolyPhen-2: "Benign"; Align-GVGD: "Class C25"). In summary, the available evidence is currently insufficient to determine the role of this variant in disease. Therefore, it has been classified as a Variant of Uncertain Significance.

NM_001556.3(IKBKB):c.1813G>T (p.Val605Leu)

Gene: IKBKB (inhibitor of nuclear factor kappa B kinase subunit beta; plus strand). Cytogenetic location: 8p11.21.
Variant type: single nucleotide variant.
Coding change: c.1813G>T on transcript NM_001556.3 (MANE Select); coding-DNA position 1813, G replaced by T.
Protein change: p.Val605Leu; replaces valine 605 with leucine.
Molecular consequence: missense variant. On other transcripts: non-coding transcript variant (3).
Genome position (GRCh38, 1-based): chr8:42,322,128, G>T. VCF-style: chr8-42322128-G-T. GRCh37 (hg19) VCF-style: chr8-42179646-G-T.
Other names: c.1621G>T, p.Val541Leu (NM_001190720.3); c.1636G>T, p.Val546Leu (NM_001242778.2); short protein forms V605L, V546L, V541L.
Identifiers: ClinVar variation 579766 (VCV000579766.3), dbSNP rs1563364138, ClinGen allele CA371092501.